The following is an entry in ClinVar:

NC_000007.13:g.(?_107613417)_(107643330_?)dup

Gene: LAMB1 (laminin subunit beta 1; minus strand). Cytogenetic location: 7q31.1.
Variant type: Duplication.
Identifiers: ClinVar variation 2424388 (VCV002424388.4).

ClinVar aggregate classification (germline): Uncertain significance (1 of 4 stars; one submission).

Submission:

Labcorp Genetics (formerly Invitae), Labcorp
Classification: Uncertain significance. Last evaluated: 2023-07-21. Review status: criteria provided, single submitter. Criteria: Invitae Variant Classification Sherloc (09022015). Collection method: clinical testing. Allele origin: germline.
Comment: In summary, the available evidence is currently insufficient to determine the role of this variant in disease. Therefore, it has been classified as a Variant of Uncertain Significance. Experimental studies and prediction algorithms are not available or were not evaluated, and the functional significance of this variant is currently unknown. This variant has not been reported in the literature in individuals affected with LAMB1-related conditions. This variant results in a copy number gain of the genomic region encompassing exon(s) 2-13 of the LAMB1 gene. This region includes the initiator codon of the gene. This copy number gain extends beyond the assayed region for this gene and therefore may encompass additional genes. As the precise location of this event is unknown, it may be in tandem or it may be located elsewhere in the genome.